The following is an entry in ClinVar:

NM_201253.3(CRB1):c.1032_1033dup (p.Ser345fs)

Gene: CRB1 (crumbs cell polarity complex component 1; plus strand). Cytogenetic location: 1q31.3.
Variant type: Duplication.
Coding change: c.1032_1033dup on transcript NM_201253.3 (MANE Select); coding-DNA positions 1032 to 1033, 2 bases duplicated (TA; older notation c.1032_1033dupTA).
Protein change: p.Ser345fs; shifts the reading frame from serine 345.
Molecular consequence: frameshift variant. On other transcripts: non-coding transcript variant (2).
Genome position (GRCh38, 1-based): chr1:197,356,874-197,356,875, TA duplicated; duplicating any 2 consecutive bases within chr1:197,356,873-197,356,875 gives the same sequence; the c. name uses the placement nearest the transcript's 3' end. VCF-style (leftmost placement, unchanged base first): chr1-197356872-A-AAT. GRCh37 (hg19) VCF-style: chr1-197326002-A-AAT.
Other names: c.696_697dup, p.Ser233fs (NM_001193640.2); c.825_826dup, p.Ser276fs (NM_001257965.2); c.1032_1033dup, p.Ser345fs (NM_001257966.2); c.1032_1033dup (NM_201253.2); short protein forms S233fs, S345fs, S276fs.
Identifiers: ClinVar variation 2126820 (VCV002126820.5), dbSNP rs2527715389, ClinGen allele CA2580061814.

ClinVar aggregate classification (germline): Pathogenic/Likely pathogenic. Review status: criteria provided, multiple submitters, no conflicts (2 of 4 stars). 2 submissions from 2 submitters: Pathogenic (1); Likely pathogenic (1). Last evaluated 2024-07-10.

Conditions:
Retinitis pigmentosa 12 (RP12). Also called: RP WITH OR WITHOUT PPRPE; RP WITH OR WITHOUT PRESERVED PARAARTERIOLE RETINAL PIGMENT EPITHELIUM; RETINITIS PIGMENTOSA WITH OR WITHOUT PARAARTERIOLAR PRESERVATION OF RETINAL PIGMENT EPITHELIUM. Identifiers: Orphanet 791, MedGen C1838647, MONDO:0010818, OMIM 600105.
Leber congenital amaurosis 8 (LCA8). Identifiers: Orphanet 65, MedGen C3151202, MONDO:0013453, OMIM 613835.
Leber congenital amaurosis (LCA). Also called: Leber's amaurosis. Identifiers: Orphanet 65, MedGen C0339527, MeSH D057130, MONDO:0018998.

Submissions (2):

Natera, Inc.
Classification: Likely pathogenic for Leber congenital amaurosis. Last evaluated: 2024-07-10. Review status: criteria provided, single submitter. Criteria: Natera Variant Classification Schema (03/2026). Collection method: clinical testing. Allele origin: germline.
Comment: The c.1032_1033dup variant in CRB1 is a frameshift variant predicted to shift the reading frame beginning at codon 345 and leads to a stop codon 108 codons downstream. This variant is expected to result in nonsense mediated decay, truncation, or a dysfunctional protein product. This variant is rare in the general population with a frequency below the threshold expected for the associated phenotype(s). Given the available evidence, this variant is classified as Likely Pathogenic.

Labcorp Genetics (formerly Invitae), Labcorp
Classification: Pathogenic for Leber congenital amaurosis 8; Retinitis pigmentosa 12. Last evaluated: 2022-04-16. Review status: criteria provided, single submitter. Criteria: Invitae Variant Classification Sherloc (09022015). Collection method: clinical testing. Allele origin: germline.
Comment: This sequence change creates a premature translational stop signal (p.Ser345Ilefs*108) in the CRB1 gene. It is expected to result in an absent or disrupted protein product. Loss-of-function variants in CRB1 are known to be pathogenic (PMID: 10508521, 22065545, 23379534, 25412400, 26957898, 28041643, 29391521). This variant is not present in population databases (gnomAD no frequency). This variant has not been reported in the literature in individuals affected with CRB1-related conditions. For these reasons, this variant has been classified as Pathogenic.

Literature cited by the submitters: PubMed 10508521 (cited by Labcorp Genetics (formerly Invitae), Labcorp); PubMed 22065545 (cited by Labcorp Genetics (formerly Invitae), Labcorp); PubMed 23379534 (cited by Labcorp Genetics (formerly Invitae), Labcorp); PubMed 25412400 (cited by Labcorp Genetics (formerly Invitae), Labcorp); PubMed 26957898 (cited by Labcorp Genetics (formerly Invitae), Labcorp); PubMed 28041643 (cited by Labcorp Genetics (formerly Invitae), Labcorp); PubMed 29391521 (cited by Labcorp Genetics (formerly Invitae), Labcorp).